The following is an entry in ClinVar:

NM_001999.4(FBN2):c.2731A>G (p.Ile911Val)

Gene: FBN2 (fibrillin 2; minus strand). Cytogenetic location: 5q23.3.
Variant type: single nucleotide variant.
Coding change: c.2731A>G on transcript NM_001999.4 (MANE Select); coding-DNA position 2731, A replaced by G.
Protein change: p.Ile911Val; replaces isoleucine 911 with valine.
Molecular consequence: missense variant.
Genome position (GRCh38, 1-based): chr5:128,350,949, T>C on the plus strand (A>G on the coding strand, the complement: FBN2 is on the minus strand). VCF-style: chr5-128350949-T-C. GRCh37 (hg19) VCF-style: chr5-127686641-T-C.
Other names: p.Ile911Val; short protein forms I911V.
Identifiers: ClinVar variation 1306151 (VCV001306151.7), dbSNP rs368766120, ClinGen allele CA3395465.
Genomic context (GRCh38, chr5:128,350,949, plus strand): 5'-GGCTCCCCCAGGCGGCTCCGAGGGTGGCACAGCATTCAGATTTCAGAGTGGCTCCATTAA[T>C]ATTCACCTCACAGCGGCTGTCCTGGATGTTGAGCCAACAGGTCCCCTTCAGGCTGTCTGA-3'
Protein context (NP_001990.2, residues 901-921): NIQDSRCEVN[Ile911Val]NGATLKSECC

ClinVar aggregate classification (germline): Uncertain significance. Review status: criteria provided, multiple submitters, no conflicts (2 of 4 stars). 3 submissions from 3 submitters: Uncertain significance (3). Last evaluated 2026-01-14.

Conditions:
Congenital contractural arachnodactyly (CCA). Also called: Arthrogryposis, distal, type 9; BEALS SYNDROME; Beals-Hecht syndrome. Identifiers: Orphanet 115, MedGen C0220668, MONDO:0007363, OMIM 121050.

Allele frequency attached by ClinVar (database versions not stated): ExAC 0.00001; gnomAD 0.00001; gnomAD exomes 0.00001; TOPMed 0.00001; ESP Exome Variant Server 0.00008.
gnomAD v4.1: 11 of 1,614,054 alleles (0.00068%); highest among the groups gnomAD compares: Non-Finnish European, 0.00093%; no homozygotes.

Submissions (3):

Labcorp Genetics (formerly Invitae), Labcorp
Classification: Uncertain significance for Congenital contractural arachnodactyly. Last evaluated: 2026-01-14. Review status: criteria provided, single submitter. Criteria: Invitae Variant Classification Sherloc (09022015). Collection method: clinical testing. Allele origin: germline.
Comment: This sequence change replaces isoleucine, which is neutral and non-polar, with valine, which is neutral and non-polar, at codon 911 of the FBN2 protein (p.Ile911Val). This variant is not present in population databases (gnomAD no frequency). This variant has not been reported in the literature in individuals affected with FBN2-related conditions. ClinVar contains an entry for this variant (Variation ID: 1306151). Invitae Evidence Modeling of protein sequence and biophysical properties (such as structural, functional, and spatial information, amino acid conservation, physicochemical variation, residue mobility, and thermodynamic stability) indicates that this missense variant is not expected to disrupt FBN2 protein function with a negative predictive value of 80%. In summary, the available evidence is currently insufficient to determine the role of this variant in disease. Therefore, it has been classified as a Variant of Uncertain Significance.

Mayo Clinic Laboratories, Mayo Clinic
Classification: Uncertain significance. Last evaluated: 2025-01-23. Review status: criteria provided, single submitter. Criteria: ACMG Guidelines, 2015. Collection method: clinical testing. Allele origin: germline. Observed: 1 variant allele.
Comment: PM2_supporting

GeneDx
Classification: Uncertain significance. Last evaluated: 2021-03-18. Review status: criteria provided, single submitter. Criteria: GeneDx Variant Classification Process June 2021. Collection method: clinical testing. Allele origin: germline. Affected: yes.
Comment: Has not been previously published as pathogenic or benign to our knowledge; Not observed in large population cohorts (Lek et al., 2016); In silico analysis, which includes protein predictors and evolutionary conservation, supports that this variant does not alter protein structure/function; Does not affect a cysteine residue within a calcium-binding EGF-like domain of the FBN2 gene; cysteine substitutions in the calcium-binding EGF-like domains represent the majority of pathogenic missense changes associated with FBN2-related disorders (Collod-Beroud et al., 2003; Frederic et al., 2009)